The following is an entry in ClinVar:

NM_002519.3(NPAT):c.3184C>T (p.Arg1062Cys)

Gene: NPAT (nuclear protein, coactivator of histone transcription; minus strand). Cytogenetic location: 11q22.3.
Variant type: single nucleotide variant.
Coding change: c.3184C>T on transcript NM_002519.3 (MANE Select); coding-DNA position 3184, C replaced by T.
Protein change: p.Arg1062Cys; replaces arginine 1062 with cysteine.
Molecular consequence: missense variant.
Genome position (GRCh38, 1-based): chr11:108,161,902, G>A on the plus strand (C>T on the coding strand, the complement: NPAT is on the minus strand). VCF-style: chr11-108161902-G-A. GRCh37 (hg19) VCF-style: chr11-108032629-G-A.
Other names: c.3205C>T, p.Arg1069Cys (NM_001321307.1); short protein forms R1069C, R1062C.
Identifiers: ClinVar variation 1901706 (VCV001901706.5), dbSNP rs762699683, ClinGen allele CA6263627.

ClinVar aggregate classification (germline): Uncertain significance (1 of 4 stars; one submission).

Allele frequency attached by ClinVar (database versions not stated): ExAC 0.00002; TOPMed 0.00004; gnomAD exomes 0.00005.
gnomAD v4.1: 83 of 1,612,780 alleles (0.0051%); highest among the groups gnomAD compares: Non-Finnish European, 0.0066%; no homozygotes.

Submission:

Labcorp Genetics (formerly Invitae), Labcorp
Classification: Uncertain significance. Last evaluated: 2025-05-04. Review status: criteria provided, single submitter. Criteria: Invitae Variant Classification Sherloc (09022015). Collection method: clinical testing. Allele origin: germline.
Comment: This sequence change replaces arginine, which is basic and polar, with cysteine, which is neutral and slightly polar, at codon 1062 of the NPAT protein (p.Arg1062Cys). This variant is present in population databases (rs762699683, gnomAD 0.004%). This variant has not been reported in the literature in individuals affected with NPAT-related conditions. ClinVar contains an entry for this variant (Variation ID: 1901706). An algorithm developed to predict the effect of missense changes on protein structure and function (PolyPhen-2) suggests that this variant is likely to be disruptive. In summary, the available evidence is currently insufficient to determine the role of this variant in disease. Therefore, it has been classified as a Variant of Uncertain Significance.